The following is an entry in ClinVar:

NM_023067.4(FOXL2):c.137del (p.Pro46fs)

Gene: FOXL2 (forkhead box L2; minus strand). Cytogenetic location: 3q22.3.
Variant type: Deletion.
Coding change: c.137del on transcript NM_023067.4 (MANE Select); coding-DNA position 137, one base deleted (C; older notation c.137delC).
Protein change: p.Pro46fs; shifts the reading frame from proline 46.
Molecular consequence: frameshift variant.
Genome position (GRCh38, 1-based): chr3:138,946,586, G deleted on the plus strand (C on the coding strand, the reverse complement: FOXL2 is on the minus strand); the first of 4 consecutive G bases (chr3:138,946,586-138,946,589); deleting any one gives the same sequence. VCF-style (leftmost placement, unchanged base first): chr3-138946585-CG-C. GRCh37 (hg19) VCF-style: chr3-138665427-CG-C.
Other names: short protein forms P46fs.
Identifiers: ClinVar variation 3730278 (VCV003730278.2).

ClinVar aggregate classification (germline): Pathogenic (1 of 4 stars; one submission).

Submission:

Labcorp Genetics (formerly Invitae), Labcorp
Classification: Pathogenic. Last evaluated: 2024-09-10. Review status: criteria provided, single submitter. Criteria: Invitae Variant Classification Sherloc (09022015). Collection method: clinical testing. Allele origin: germline.
Comment: This sequence change creates a premature translational stop signal (p.Pro46Argfs*104) in the FOXL2 gene. While this is not anticipated to result in nonsense mediated decay, it is expected to disrupt the last 331 amino acid(s) of the FOXL2 protein. This variant is not present in population databases (gnomAD no frequency). This variant has not been reported in the literature in individuals affected with FOXL2-related conditions. This variant disrupts a region of the FOXL2 protein in which other variant(s) (p.His291Argfs*71) have been determined to be pathogenic (PMID: 11175783, 28849110, 31048069). This suggests that this is a clinically significant region of the protein, and that variants that disrupt it are likely to be disease-causing. For these reasons, this variant has been classified as Pathogenic.

Literature cited by the submitters: PubMed 11175783; PubMed 28849110; PubMed 31048069.